The following is an entry in ClinVar:

NM_001113491.2(SEPTIN9):c.127C>T (p.Pro43Ser)

Gene: SEPTIN9 (septin 9; plus strand). Cytogenetic location: 17q25.3.
Variant type: single nucleotide variant.
Coding change: c.127C>T on transcript NM_001113491.2 (MANE Select); coding-DNA position 127, C replaced by T.
Protein change: p.Pro43Ser; replaces proline 43 with serine.
Molecular consequence: missense variant. On other transcripts: 5 prime UTR variant (2).
Genome position (GRCh38, 1-based): chr17:77,402,109, C>T. VCF-style: chr17-77402109-C-T. GRCh37 (hg19) VCF-style: chr17-75398191-C-T.
Other names: c.-366C>T (NM_001113492.2, NM_001113494.1); c.106C>T, p.Pro36Ser (NM_001113493.2); c.70C>T, p.Pro24Ser (NM_001293695.2); c.73C>T, p.Pro25Ser (NM_006640.5); short protein forms P24S, P25S, P36S, P43S.
Identifiers: ClinVar variation 3623455 (VCV003623455.3).
Genomic context (GRCh38, chr17:77,402,109, plus strand): 5'-TATTTTTCAGCCTTGAAAAGATCTTTTGAGGTCGAGGAGGTCGAGACACCCAACTCCACC[C>T]CACCCCGGAGGGTCCAGACTCCCCTACTCCGAGCCACTGTGGCCAGCTCCACCCAGAAAT-3'
Protein context (NP_001106963.1, residues 33-53): VEEVETPNST[Pro43Ser]PRRVQTPLLR

ClinVar aggregate classification (germline): Uncertain significance. Review status: criteria provided, multiple submitters, no conflicts (2 of 4 stars). 2 submissions from 2 submitters: Uncertain significance (2). Last evaluated 2025-05-13.

gnomAD v4.1: 53 of 1,613,834 alleles (0.0033%); highest among the groups gnomAD compares: Non-Finnish European, 0.0041%; no homozygotes.

Submissions (2):

Labcorp Genetics (formerly Invitae), Labcorp
Classification: Uncertain significance. Last evaluated: 2025-05-13. Review status: criteria provided, single submitter. Criteria: Invitae Variant Classification Sherloc (09022015). Collection method: clinical testing. Allele origin: germline.
Comment: This sequence change replaces proline, which is neutral and non-polar, with serine, which is neutral and polar, at codon 25 of the SEPT9 protein (p.Pro25Ser). This variant is present in population databases (rs750772174, gnomAD 0.003%). This variant has not been reported in the literature in individuals affected with SEPT9-related conditions. ClinVar contains an entry for this variant (Variation ID: 3623455). Invitae Evidence Modeling of protein sequence and biophysical properties (such as structural, functional, and spatial information, amino acid conservation, physicochemical variation, residue mobility, and thermodynamic stability) indicates that this missense variant is not expected to disrupt SEPT9 protein function with a negative predictive value of 80%. In summary, the available evidence is currently insufficient to determine the role of this variant in disease. Therefore, it has been classified as a Variant of Uncertain Significance.

Blueprint Genetics
Classification: Uncertain significance. Last evaluated: 2023-07-18. Review status: criteria provided, single submitter. Criteria: ACMG Guidelines, 2015. Collection method: clinical testing. Allele origin: germline.